The following is an entry in ClinVar:

NM_001297.5(CNGB1):c.1372+2T>C

Gene: CNGB1 (cyclic nucleotide gated channel subunit beta 1; minus strand). Cytogenetic location: 16q21.
Variant type: single nucleotide variant.
Coding change: c.1372+2T>C on transcript NM_001297.5 (MANE Select); the canonical splice donor site of the intron after coding-DNA position 1372, T replaced by C.
Molecular consequence: splice donor variant.
Genome position (GRCh38, 1-based): chr16:57,939,428, A>G on the plus strand (T>C on the coding strand, the complement: CNGB1 is on the minus strand). VCF-style: chr16-57939428-A-G. GRCh37 (hg19) VCF-style: chr16-57973332-A-G.
Other names: c.1354+2T>C (NM_001286130.2); c.1372+2T>C (NM_001297.4).
Identifiers: ClinVar variation 2089743 (VCV002089743.6), dbSNP rs1961602836, ClinGen allele CA396072403.

ClinVar aggregate classification (germline): Likely pathogenic. Review status: criteria provided, multiple submitters, no conflicts (2 of 4 stars). 3 submissions from 3 submitters: Likely pathogenic (3). Last evaluated 2025-01-27.

Conditions:
CNGB1-related disorder. Also called: CNGB1-related condition.
Retinitis pigmentosa 45 (RP45). Identifiers: Orphanet 791, MedGen C3151066, MONDO:0013413, OMIM 613767.

Allele frequency attached by ClinVar (database versions not stated): gnomAD exomes below 0.00001; TOPMed below 0.00001; gnomAD 0.00001.
gnomAD v4.1: 3 of 1,613,722 alleles (0.00019%); highest among the groups gnomAD compares: Non-Finnish European, 0.00025%; no homozygotes.

Submissions (3):

PreventionGenetics, part of Exact Sciences
Classification: Likely pathogenic for CNGB1-related condition. Last evaluated: 2025-01-27. Review status: criteria provided, single submitter. Criteria: ACMG Guidelines, 2015. Collection method: clinical testing. Allele origin: germline.
Comment: The CNGB1 c.1372+2T>C variant is predicted to disrupt the GT donor site and interfere with normal splicing. To our knowledge, this variant has not been reported in the literature or in a large population database (gnomAD), indicating this variant is rare. Variants that disrupt the consensus splice donor site in CNGB1 are expected to be pathogenic. This variant is interpreted as likely pathogenic.

Fulgent Genetics
Classification: Likely pathogenic for Retinitis pigmentosa 45. Last evaluated: 2024-02-13. Review status: criteria provided, single submitter. Criteria: ACMG Guidelines, 2015. Collection method: clinical testing. Allele origin: germline.

Labcorp Genetics (formerly Invitae), Labcorp
Classification: Likely pathogenic. Last evaluated: 2022-10-30. Review status: criteria provided, single submitter. Criteria: Invitae Variant Classification Sherloc (09022015). Collection method: clinical testing. Allele origin: germline.
Comment: In summary, the currently available evidence indicates that the variant is pathogenic, but additional data are needed to prove that conclusively. Therefore, this variant has been classified as Likely Pathogenic. Algorithms developed to predict the effect of sequence changes on RNA splicing suggest that this variant may disrupt the consensus splice site. This variant has not been reported in the literature in individuals affected with CNGB1-related conditions. This variant is not present in population databases (gnomAD no frequency). This sequence change affects a donor splice site in intron 16 of the CNGB1 gene. It is expected to disrupt RNA splicing. Variants that disrupt the donor or acceptor splice site typically lead to a loss of protein function (PMID: 16199547), and loss-of-function variants in CNGB1 are known to be pathogenic (PMID: 15557452, 24043777).

Literature cited by the submitters: PubMed 16199547 (cited by Labcorp Genetics (formerly Invitae), Labcorp); PubMed 15557452 (cited by Labcorp Genetics (formerly Invitae), Labcorp); PubMed 24043777 (cited by Labcorp Genetics (formerly Invitae), Labcorp).